The following is an entry in ClinVar:

ClinVar aggregate classification (germline): Pathogenic (1 of 4 stars; one submission).

Conditions:
Fanconi anemia (FA). Also called: Fanconi's anemia. Identifiers: Orphanet 84, MedGen C0015625, MeSH D005199, MONDO:0019391.

Submission:

Labcorp Genetics (formerly Invitae), Labcorp
Classification: Pathogenic for Fanconi anemia. Last evaluated: 2022-07-12. Review status: criteria provided, single submitter. Criteria: Invitae Variant Classification Sherloc (09022015). Collection method: clinical testing. Allele origin: germline.
Comment: This sequence change creates a premature translational stop signal (p.Pro1378Argfs*7) in the SLX4 gene. It is expected to result in an absent or disrupted protein product. Loss-of-function variants in SLX4 are known to be pathogenic (PMID: 21240277). For these reasons, this variant has been classified as Pathogenic. ClinVar contains an entry for this variant (Variation ID: 861469). This variant has not been reported in the literature in individuals affected with SLX4-related conditions. This variant is not present in population databases (gnomAD no frequency).

Literature cited by the submitters: PubMed 21240277.

NM_032444.4(SLX4):c.4133del (p.Pro1378fs)

Gene: SLX4 (SLX4 structure-specific endonuclease subunit; minus strand). Cytogenetic location: 16p13.3.
Variant type: Deletion.
Coding change: c.4133del on transcript NM_032444.4 (MANE Select); coding-DNA position 4133, one base deleted (C; older notation c.4133delC).
Protein change: p.Pro1378fs; shifts the reading frame from proline 1378.
Molecular consequence: frameshift variant.
Genome position (GRCh38, 1-based): chr16:3,589,505, G deleted on the plus strand (C on the coding strand, the reverse complement: SLX4 is on the minus strand); the first of 2 consecutive G bases (chr16:3,589,505-3,589,506); deleting either gives the same sequence. VCF-style (leftmost placement, unchanged base first): chr16-3589504-CG-C. GRCh37 (hg19) VCF-style: chr16-3639505-CG-C.
Other names: short protein forms P1378fs.
Identifiers: ClinVar variation 861469 (VCV000861469.9), dbSNP rs1174332682, ClinGen allele CA916081788.
Genomic context (GRCh38, chr16:3,589,504, plus strand): 5'-ACTGTCTCCGACTTCCACCACTTCACCCGCTGGGGTCTGGTTCAGGAAGCTTGGCCCAGG[CG>C]GCGAGTGTTTCAGGAACCGCCTGCTGAAGTGGGCGCGGTCCCCTGAGATGGGATGTGGAG-3'